The following is an entry in ClinVar:

NM_018026.4(PACS1):c.1504G>A (p.Val502Met)

Gene: PACS1 (phosphofurin acidic cluster sorting protein 1; plus strand). Cytogenetic location: 11q13.2.
Variant type: single nucleotide variant.
Coding change: c.1504G>A on transcript NM_018026.4 (MANE Select); coding-DNA position 1504, G replaced by A.
Protein change: p.Val502Met; replaces valine 502 with methionine.
Molecular consequence: missense variant.
Genome position (GRCh38, 1-based): chr11:66,230,818, G>A. VCF-style: chr11-66230818-G-A. GRCh37 (hg19) VCF-style: chr11-65998289-G-A.
Other names: short protein forms V502M.
Identifiers: ClinVar variation 589429 (VCV000589429.10), dbSNP rs1185372426, ClinGen allele CA381367038.

ClinVar aggregate classification (germline): Uncertain significance. Review status: criteria provided, multiple submitters, no conflicts (2 of 4 stars). 2 submissions from 2 submitters: Uncertain significance (2). Last evaluated 2022-06-26.

Conditions:
Schuurs-Hoeijmakers syndrome. Also called: PACS1-Related Neurodevelopmental Disorder. Identifiers: Orphanet 329224, MedGen C3554343, MONDO:0014006, OMIM 615009.
Inborn genetic diseases. Identifiers: MedGen C0950123, MeSH D030342.

Submissions (2):

Labcorp Genetics (formerly Invitae), Labcorp
Classification: Uncertain significance for Schuurs-Hoeijmakers syndrome. Last evaluated: 2022-06-26. Review status: criteria provided, single submitter. Criteria: Invitae Variant Classification Sherloc (09022015). Collection method: clinical testing. Allele origin: germline.
Comment: In summary, the available evidence is currently insufficient to determine the role of this variant in disease. Therefore, it has been classified as a Variant of Uncertain Significance. Algorithms developed to predict the effect of missense changes on protein structure and function are either unavailable or do not agree on the potential impact of this missense change (SIFT: "Tolerated"; PolyPhen-2: "Possibly Damaging"; Align-GVGD: "Class C0"). ClinVar contains an entry for this variant (Variation ID: 589429). This variant has not been reported in the literature in individuals affected with PACS1-related conditions. This variant is not present in population databases (gnomAD no frequency). This sequence change replaces valine, which is neutral and non-polar, with methionine, which is neutral and non-polar, at codon 502 of the PACS1 protein (p.Val502Met).

Ambry Genetics
Classification: Uncertain significance for Inborn genetic diseases. Last evaluated: 2016-10-13. Review status: criteria provided, single submitter. Criteria: Ambry Variant Classification Scheme 2023. Collection method: clinical testing. Allele origin: germline.
Comment: The p.V502M variant (also known as c.1504G>A), located in coding exon 13 of the PACS1 gene, results from a G to A substitution at nucleotide position 1504. The valine at codon 502 is replaced by methionine, an amino acid with highly similar properties. This variant was not reported in population based cohorts in the following databases: Database of Single Nucleotide Polymorphisms (dbSNP), NHLBI Exome Sequencing Project (ESP), and 1000 Genomes Project. In the ESP, this variant was not observed in 6495 samples (12990 alleles) with coverage at this position. This amino acid position is poorly conserved in available vertebrate species. In addition, this alteration is predicted to be tolerated by in silico analysis. Since supporting evidence is limited at this time, the clinical significance of this alteration remains unclear.